The following is an entry in ClinVar:

ClinVar aggregate classification (germline): Uncertain significance. Review status: criteria provided, multiple submitters, no conflicts (2 of 4 stars). 3 submissions from 3 submitters: Uncertain significance (3). Last evaluated 2024-03-26.

Conditions:
Klippel-Feil anomaly-myopathy-facial dysmorphism syndrome. Also called: Klippel-feil syndrome 4, autosomal recessive, with nemaline myopathy and facial dysmorphism; Klippel-Feil syndrome 4, autosomal recessive, with myopathy and facial dysmorphism. Identifiers: Orphanet 447974, MedGen C4225285, MONDO:0014689, OMIM 616549.
Inborn genetic diseases. Identifiers: MedGen C0950123, MeSH D030342.

Allele frequency attached by ClinVar (database versions not stated): gnomAD 0.00002; TOPMed 0.00002; ExAC 0.00003.
gnomAD v4.1: 84 of 1,612,004 alleles (0.0052%); highest among the groups gnomAD compares: East Asian, 0.0067%; no homozygotes.

Submissions (3):

Revvity Omics, Revvity
Classification: Uncertain significance for Klippel-Feil anomaly-myopathy-facial dysmorphism syndrome. Last evaluated: 2024-03-26. Review status: criteria provided, single submitter. Criteria: ACMG Guidelines, 2015. Collection method: clinical testing. Allele origin: germline.

Labcorp Genetics (formerly Invitae), Labcorp
Classification: Uncertain significance. Last evaluated: 2024-01-04. Review status: criteria provided, single submitter. Criteria: Invitae Variant Classification Sherloc (09022015). Collection method: clinical testing. Allele origin: germline.
Comment: This sequence change replaces proline, which is neutral and non-polar, with serine, which is neutral and polar, at codon 28 of the MYO18B protein (p.Pro28Ser). This variant is present in population databases (rs571003888, gnomAD 0.007%). This variant has not been reported in the literature in individuals affected with MYO18B-related conditions. ClinVar contains an entry for this variant (Variation ID: 1474344). An algorithm developed to predict the effect of missense changes on protein structure and function (PolyPhen-2) suggests that this variant is likely to be disruptive. Algorithms developed to predict the effect of sequence changes on RNA splicing suggest that this variant may create or strengthen a splice site. In summary, the available evidence is currently insufficient to determine the role of this variant in disease. Therefore, it has been classified as a Variant of Uncertain Significance.

Ambry Genetics
Classification: Uncertain significance for Inborn genetic diseases. Last evaluated: 2022-08-16. Review status: criteria provided, single submitter. Criteria: Ambry Variant Classification Scheme 2023. Collection method: clinical testing. Allele origin: germline.

NM_032608.7(MYO18B):c.82C>T (p.Pro28Ser)

Gene: MYO18B (myosin XVIIIB; plus strand). Cytogenetic location: 22q12.1.
Variant type: single nucleotide variant.
Coding change: c.82C>T on transcript NM_032608.7 (MANE Select); coding-DNA position 82, C replaced by T.
Protein change: p.Pro28Ser; replaces proline 28 with serine.
Molecular consequence: missense variant.
Genome position (GRCh38, 1-based): chr22:25,763,273, C>T. VCF-style: chr22-25763273-C-T. GRCh37 (hg19) VCF-style: chr22-26159240-C-T.
Other names: c.82C>T (NM_032608.5); c.82C>T, p.Pro28Ser (NM_001318245.2); short protein forms P28S.
Identifiers: ClinVar variation 1474344 (VCV001474344.7), dbSNP rs571003888, ClinGen allele CA10159489.
Genomic context (GRCh38, chr22:25,763,273, plus strand): 5'-CTTGCTTCTGCAAAACAGATTCGGGAAGAGGACAAGAGCCCTCCACCATCCTCGCCCCCT[C>T]CTCTTTTCTCTGTCATCCCAGGGGGCTTCATTAAGCAACTGGTCCGGGGGACTGAAAAAG-3'
Protein context (NP_115997.5, residues 18-38): DKSPPPSSPP[Pro28Ser]LFSVIPGGFI